The following is an entry in ClinVar:

NM_000135.4(FANCA):c.2851C>A (p.Arg951=)

Gene: FANCA (FA complementation group A; minus strand). Cytogenetic location: 16q24.3.
Variant type: single nucleotide variant.
Coding change: c.2851C>A on transcript NM_000135.4 (MANE Select); coding-DNA position 2851, C replaced by A.
Protein change: p.Arg951=; no amino-acid change (arginine 951 retained).
Molecular consequence: synonymous variant.
Genome position (GRCh38, 1-based): chr16:89,761,950, G>T on the plus strand (C>A on the coding strand, the complement: FANCA is on the minus strand). VCF-style: chr16-89761950-G-T. GRCh37 (hg19) VCF-style: chr16-89828358-G-T.
Other names: c.2851C>A (LRG_495t1, NM_000135.3); c.2851C>A, p.Arg951= (NM_001286167.3).
Identifiers: ClinVar variation 645624 (VCV000645624.10), dbSNP rs755546887, ClinGen allele CA497182543.
Genomic context (GRCh38, chr16:89,761,950, plus strand): 5'-GCTGGGATTATAGGTGTGAGCCATCATGCCTGGCCAGGGTAGCTCTTTTCAACACTTACC[G>T]TTCAGTATCTGAAAGAGCATCAGCTTCAGGTTGAATTTCCAGCTCCAGGTGTAACCAGTC-3'
Protein context (NP_000126.2, residues 941-961): PEADALSDTE[Arg951=]QDFHQWAIHE

ClinVar aggregate classification (germline): Conflicting classifications of pathogenicity. Review status: criteria provided, conflicting classifications (1 of 4 stars). 3 submissions from 3 submitters: Uncertain significance (2); Likely benign (1). Last evaluated 2025-06-27.

Conditions:
Fanconi anemia (FA). Also called: Fanconi's anemia. Identifiers: Orphanet 84, MedGen C0015625, MeSH D005199, MONDO:0019391.
Inborn genetic diseases. Identifiers: MedGen C0950123, MeSH D030342.

Allele frequency attached by ClinVar (database versions not stated): gnomAD 0.00001; TOPMed 0.00001.
gnomAD v4.1: 13 of 1,613,142 alleles (0.00081%); highest among the groups gnomAD compares: African/African-American, 0.0013%; no homozygotes.

Submissions (3):

Quest Diagnostics Nichols Institute San Juan Capistrano
Classification: Uncertain significance. Last evaluated: 2025-06-27. Review status: criteria provided, single submitter. Criteria: Quest Diagnostics criteria. Collection method: clinical testing. Allele origin: unknown.
Comment: The FANCA c.2851C>A (p.Arg951=) synonymous variant has not been reported in individuals with FANCA-related conditions in the published literature. The frequency of this variant in the general population (Genome Aggregation Database) is uninformative in the assessment of its pathogenicity. Analysis of this variant using software algorithms for the prediction of the effect of nucleotide changes on splicing yielded predictions that this variant does not affect FANCA mRNA splicing. Based on the available information, we are unable to determine the clinical significance of this variant.

Ambry Genetics
Classification: Likely benign for Inborn genetic diseases. Last evaluated: 2024-12-17. Review status: criteria provided, single submitter. Criteria: Ambry Variant Classification Scheme 2023. Collection method: clinical testing. Allele origin: germline.

Labcorp Genetics (formerly Invitae), Labcorp
Classification: Uncertain significance for Fanconi anemia. Last evaluated: 2022-07-06. Review status: criteria provided, single submitter. Criteria: Invitae Variant Classification Sherloc (09022015). Collection method: clinical testing. Allele origin: germline.
Comment: This sequence change affects codon 951 of the FANCA mRNA. It is a 'silent' change, meaning that it does not change the encoded amino acid sequence of the FANCA protein. It affects a nucleotide within the consensus splice site. This variant is present in population databases (no rsID available, gnomAD 0.002%). This variant has not been reported in the literature in individuals affected with FANCA-related conditions. ClinVar contains an entry for this variant (Variation ID: 645624). Algorithms developed to predict the effect of sequence changes on RNA splicing suggest that this variant is not likely to affect RNA splicing. In summary, the available evidence is currently insufficient to determine the role of this variant in disease. Therefore, it has been classified as a Variant of Uncertain Significance.